The following is an entry in ClinVar:

NM_015158.5(KANK1):c.3567G>C (p.Val1189=)

Gene: KANK1 (KN motif and ankyrin repeat domains 1; plus strand). Cytogenetic location: 9p24.3.
Variant type: single nucleotide variant.
Coding change: c.3567G>C on transcript NM_015158.5 (MANE Select); coding-DNA position 3567, G replaced by C.
Protein change: p.Val1189=; no amino-acid change (valine 1189 retained).
Molecular consequence: synonymous variant. On other transcripts: non-coding transcript variant (1).
Genome position (GRCh38, 1-based): chr9:740,805, G>C. VCF-style: chr9-740805-G-C. GRCh37 (hg19) VCF-style: chr9-740805-G-C.
Other names: c.2853G>C, p.Val951= (NM_001354339.2, NM_001354342.2, NM_001354343.2); c.3039G>C, p.Val1013= (NM_001354340.2, NM_001354338.2, NM_001354344.2); c.3093G>C, p.Val1031= (NM_001354341.2, NM_001354333.2, NM_001354335.2 and 2 more transcripts); c.3327G>C, p.Val1109= (NM_001354331.2); c.3513G>C, p.Val1171= (NM_001354332.2); c.3567G>C, p.Val1189= (NM_001354334.2, NM_001256876.3, NM_001256877.3); c.2799G>C, p.Val933= (NM_001354336.2).
Identifiers: ClinVar variation 3040738 (VCV003040738.2), dbSNP rs1185323407, ClinGen allele CA463691603.

ClinVar aggregate classification (germline): Likely benign (0 of 4 stars; one submission).

Conditions:
KANK1-related disorder. Also called: KANK1-related condition.

Allele frequency attached by ClinVar (database versions not stated): gnomAD exomes below 0.00001; gnomAD 0.00001; TOPMed 0.00002.
gnomAD v4.1: 3 of 1,610,684 alleles (0.00019%); highest among the groups gnomAD compares: Non-Finnish European, 0.00025%; no homozygotes.

Submission:

PreventionGenetics, part of Exact Sciences
Classification: Likely benign for KANK1-related condition. Last evaluated: 2019-09-19. Review status: no assertion criteria provided. Collection method: clinical testing. Allele origin: germline.
Comment: This variant is classified as likely benign based on ACMG/AMP sequence variant interpretation guidelines (Richards et al. 2015 PMID: 25741868, with internal and published modifications).